The following is an entry in ClinVar:

NM_001127222.2(CACNA1A):c.2422A>T (p.Thr808Ser)

Gene: CACNA1A (calcium voltage-gated channel subunit alpha1 A; minus strand). Cytogenetic location: 19p13.13.
Variant type: single nucleotide variant.
Coding change: c.2422A>T on transcript NM_001127222.2 (MANE Select); coding-DNA position 2422, A replaced by T.
Protein change: p.Thr808Ser; replaces threonine 808 with serine.
Molecular consequence: missense variant.
Genome position (GRCh38, 1-based): chr19:13,299,211, T>A on the plus strand (A>T on the coding strand, the complement: CACNA1A is on the minus strand). VCF-style: chr19-13299211-T-A. GRCh37 (hg19) VCF-style: chr19-13410025-T-A.
Other names: c.2434A>T, p.Thr812Ser (NM_000068.4, NM_023035.3); c.2425A>T, p.Thr809Ser (NM_001127221.2, NM_001174080.2); short protein forms T808S, T812S, T809S.
Identifiers: ClinVar variation 1377477 (VCV001377477.6), dbSNP rs772177961, ClinGen allele CA404343483.

ClinVar aggregate classification (germline): Uncertain significance (1 of 4 stars; one submission).

Conditions:
Episodic ataxia type 2 (EA2). Also called: ATAXIA, EPISODIC, WITH NYSTAGMUS; ATAXIA, FAMILIAL PAROXYSMAL; CEREBELLAR ATAXIA, PAROXYSMAL, ACETAZOLAMIDE-RESPONSIVE; CEREBELLOPATHY, HEREDITARY PAROXYSMAL; EPISODIC ATAXIA, NYSTAGMUS-ASSOCIATED; ACETAZOLAMIDE-RESPONSIVE HEREDITARY PAROXYSMAL CEREBELLAR ATAXIA. Identifiers: Orphanet 97, MedGen C1720416, MONDO:0007163, OMIM 108500.
Developmental and epileptic encephalopathy, 42 (DEE42A). Also called: DEVELOPMENTAL AND EPILEPTIC ENCEPHALOPATHY 42A; EPILEPTIC ENCEPHALOPATHY, EARLY INFANTILE, 42A; Epileptic encephalopathy, early infantile, 42. Identifiers: MedGen C4310716, MONDO:0014917, OMIM 617106.

Submission:

Labcorp Genetics (formerly Invitae), Labcorp
Classification: Uncertain significance for Developmental and epileptic encephalopathy, 42; Episodic ataxia type 2. Last evaluated: 2024-04-25. Review status: criteria provided, single submitter. Criteria: Invitae Variant Classification Sherloc (09022015). Collection method: clinical testing. Allele origin: germline.
Comment: This sequence change replaces threonine, which is neutral and polar, with serine, which is neutral and polar, at codon 809 of the CACNA1A protein (p.Thr809Ser). This variant is not present in population databases (gnomAD no frequency). This variant has not been reported in the literature in individuals affected with CACNA1A-related conditions. ClinVar contains an entry for this variant (Variation ID: 1377477). Advanced modeling of protein sequence and biophysical properties (such as structural, functional, and spatial information, amino acid conservation, physicochemical variation, residue mobility, and thermodynamic stability) performed at Invitae indicates that this missense variant is not expected to disrupt CACNA1A protein function with a negative predictive value of 95%. In summary, the available evidence is currently insufficient to determine the role of this variant in disease. Therefore, it has been classified as a Variant of Uncertain Significance.